The following is an entry in ClinVar:

NM_000141.5(FGFR2):c.2177C>G (p.Ala726Gly)

Gene: FGFR2 (fibroblast growth factor receptor 2; minus strand). Cytogenetic location: 10q26.13.
Variant type: single nucleotide variant.
Coding change: c.2177C>G on transcript NM_000141.5 (MANE Select); coding-DNA position 2177, C replaced by G.
Protein change: p.Ala726Gly; replaces alanine 726 with glycine.
Molecular consequence: missense variant. On other transcripts: non-coding transcript variant (1).
Genome position (GRCh38, 1-based): chr10:121,485,413, G>C on the plus strand (C>G on the coding strand, the complement: FGFR2 is on the minus strand). VCF-style: chr10-121485413-G-C. GRCh37 (hg19) VCF-style: chr10-123244927-G-C.
Other names: c.2180C>G, p.Ala727Gly (NM_001144913.1, NM_022970.4); c.1841C>G, p.Ala614Gly (NM_001144914.1); c.1910C>G, p.Ala637Gly (NM_001144915.2, NM_023029.3); c.1832C>G, p.Ala611Gly (NM_001144916.2); c.1829C>G, p.Ala610Gly (NM_001144917.2); c.1826C>G, p.Ala609Gly (NM_001144918.2); c.1913C>G, p.Ala638Gly (NM_001144919.2); c.1493C>G, p.Ala498Gly (NM_001320654.2); and 1 more; short protein forms A638G, A726G, A727G, A609G, A610G, A637G, A724G, A498G.
Identifiers: ClinVar variation 931843 (VCV000931843.3), dbSNP rs1458081920, ClinGen allele CA378311660.

ClinVar aggregate classification (germline): Uncertain significance (1 of 4 stars; one submission).

Conditions:
Antley-Bixler syndrome without genital anomalies or disordered steroidogenesis (ABS2). Also called: Antley-Bixler Syndrome, Autosomal Dominant; MULTISYNOSTOTIC OSTEODYSGENESIS WITH LONG BONE FRACTURES; Trapezoidocephaly synostosis syndrome; Osteodysgenesis, multisynostotic with fractures. Identifiers: Orphanet 596008, Orphanet 83, MedGen C2936791, MONDO:0020667, OMIM 207410.

Allele frequency attached by ClinVar (database versions not stated): TOPMed below 0.00001.

Submission:

Centre for Mendelian Genomics, University Medical Centre Ljubljana
Classification: Uncertain significance for Antley-Bixler syndrome without genital anomalies or disordered steroidogenesis. Last evaluated: 2018-12-07. Review status: criteria provided, single submitter. Criteria: ACMG Guidelines, 2015. Collection method: clinical testing. Allele origin: unknown. Affected: yes.
Comment: This variant was classified as: Uncertain significance. The available evidence on this variant's pathogenicity is insufficient or conflicting. The following ACMG criteria were applied in classifying this variant: PM2,PP2.